The following is an entry in ClinVar:

ClinVar aggregate classification (germline): Likely benign (1 of 4 stars; one submission).

Allele frequency attached by ClinVar (database versions not stated): gnomAD exomes 0.00002; gnomAD 0.00003; ExAC 0.00010; TOPMed 0.00010.

Submission:

CeGaT Center for Human Genetics Tuebingen
Classification: Likely benign. Last evaluated: 2022-12-01. Review status: criteria provided, single submitter. Criteria: CeGaT Center For Human Genetics Tuebingen Variant Classification Criteria Version 2. Collection method: clinical testing. Allele origin: germline. Affected: yes. Observed: 1 variant allele.
Comment: MUC2: BP4, BP7

NM_002457.5(MUC2):c.3381G>A (p.Pro1127=)

Gene: MUC2 (mucin 2, oligomeric mucus/gel-forming; plus strand). Cytogenetic location: 11p15.5.
Variant type: single nucleotide variant.
Coding change: c.3381G>A on transcript NM_002457.5 (MANE Select); coding-DNA position 3381, G replaced by A.
Protein change: p.Pro1127=; no amino-acid change (proline 1127 retained).
Molecular consequence: synonymous variant.
Genome position (GRCh38, 1-based): chr11:1,089,970, G>A. VCF-style: chr11-1089970-G-A. GRCh37 (hg19) VCF-style: chr11-1087906-G-A.
Identifiers: ClinVar variation 2641126 (VCV002641126.24), dbSNP rs757261775, ClinGen allele CA5799355.
Genomic context (GRCh38, chr11:1,089,970, plus strand): 5'-CTGCGTCTGACCCTGGCCCTGTCTCCCCCAAGCCATATTCTGCGACTACTACAACCCTCC[G>A]CATGAGTGTGAGTGGCACTATGAGCCATGTGGGAACCGGAGCTTCGAGACCTGCAGGACC-3'
Protein context (NP_002448.5, residues 1117-1137): CPIFCDYYNP[Pro1127=]HECEWHYEPC